The following is an entry in ClinVar:

ClinVar aggregate classification (germline): Uncertain significance (1 of 4 stars; one submission).

gnomAD v4.1: 4 of 1,613,664 alleles (0.00025%); highest among the groups gnomAD compares: African/African-American, 0.0013%; no homozygotes.

Submission:

Labcorp Genetics (formerly Invitae), Labcorp
Classification: Uncertain significance. Last evaluated: 2022-02-24. Review status: criteria provided, single submitter. Criteria: Invitae Variant Classification Sherloc (09022015). Collection method: clinical testing. Allele origin: germline.
Comment: In summary, the available evidence is currently insufficient to determine the role of this variant in disease. Therefore, it has been classified as a Variant of Uncertain Significance. Algorithms developed to predict the effect of missense changes on protein structure and function (SIFT, PolyPhen-2, Align-GVGD) all suggest that this variant is likely to be disruptive. This variant has not been reported in the literature in individuals affected with PLXNA2-related conditions. This variant is present in population databases (no rsID available, gnomAD 0.007%). This sequence change replaces leucine, which is neutral and non-polar, with proline, which is neutral and non-polar, at codon 1500 of the PLXNA2 protein (p.Leu1500Pro).

NM_025179.4(PLXNA2):c.4499T>C (p.Leu1500Pro)

Gene: PLXNA2 (plexin A2; minus strand). Cytogenetic location: 1q32.2.
Variant type: single nucleotide variant.
Coding change: c.4499T>C on transcript NM_025179.4 (MANE Select); coding-DNA position 4499, T replaced by C.
Protein change: p.Leu1500Pro; replaces leucine 1500 with proline.
Molecular consequence: missense variant.
Genome position (GRCh38, 1-based): chr1:208,039,622, A>G on the plus strand (T>C on the coding strand, the complement: PLXNA2 is on the minus strand). VCF-style: chr1-208039622-A-G. GRCh37 (hg19) VCF-style: chr1-208212967-A-G.
Other names: short protein forms L1500P.
Identifiers: ClinVar variation 1517521 (VCV001517521.8), dbSNP rs1175828904, ClinGen allele CA344561845.